The following is an entry in ClinVar:

ClinVar aggregate classification (germline): Benign/Likely benign. Review status: criteria provided, multiple submitters, no conflicts (2 of 4 stars). 5 submissions from 5 submitters: Benign (1); Likely benign (4). Last evaluated 2026-05-15.

Conditions:
Hereditary cancer-predisposing syndrome. Also called: Hereditary neoplastic syndrome; Neoplastic Syndromes, Hereditary; Hereditary Cancer Syndrome; Tumor predisposition. Identifiers: Orphanet 140162, MedGen C0027672, MeSH D009386, MONDO:0015356.
Cardiovascular phenotype. Identifiers: MedGen CN230736.
Neurofibromatosis, type 1 (NF1). Also called: Peripheral type neurofibromatosis; Neurofibromatosis, type I; VON RECKLINGHAUSEN DISEASE; NEUROFIBROMATOSIS, TYPE I, SOMATIC. Identifiers: Orphanet 636, MedGen C0027831, MONDO:0018975, OMIM 162200. Disease mechanism: loss of function.

Allele frequency attached by ClinVar (database versions not stated): gnomAD exomes below 0.00001; gnomAD 0.00001; TOPMed 0.00001.
gnomAD v4.1: 4 of 1,613,752 alleles (0.00025%); highest among the groups gnomAD compares: African/African-American, 0.0053%; no homozygotes.

Submissions (5):

Myriad Genetics, Inc.
Classification: Benign for Neurofibromatosis, type 1. Last evaluated: 2026-05-15. Review status: criteria provided, single submitter. Criteria: Myriad Autosomal Dominant, Autosomal Recessive and X-Linked Classification Criteria (2023). Collection method: clinical testing. Allele origin: unknown.
Comment: This variant is considered benign. This variant is a silent/synonymous amino acid change and it is not expected to impact splicing.

Labcorp Genetics (formerly Invitae), Labcorp
Classification: Likely benign for Neurofibromatosis, type 1. Last evaluated: 2025-10-23. Review status: criteria provided, single submitter. Criteria: Invitae Variant Classification Sherloc (09022015). Collection method: clinical testing. Allele origin: germline.

Genome-Nilou Lab
Classification: Likely benign for Neurofibromatosis, type 1. Last evaluated: 2022-03-15. Review status: criteria provided, single submitter. Criteria: ACMG Guidelines, 2015. Collection method: clinical testing. Allele origin: germline. Affected: no.

Sema4
Classification: Likely benign for Hereditary cancer-predisposing syndrome. Last evaluated: 2021-11-22. Review status: criteria provided, single submitter. Criteria: Sema4 Curation Guidelines. Collection method: curation. Allele origin: germline.

Ambry Genetics
Classification: Likely benign for Cardiovascular phenotype; Hereditary cancer-predisposing syndrome. Last evaluated: 2017-05-01. Review status: criteria provided, single submitter. Criteria: Ambry Variant Classification Scheme 2023. Collection method: clinical testing. Allele origin: germline.

NM_001042492.3(NF1):c.1944A>G (p.Glu648=)

Gene: NF1 (neurofibromin 1; plus strand). Cytogenetic location: 17q11.2.
Variant type: single nucleotide variant.
Coding change: c.1944A>G on transcript NM_001042492.3 (MANE Select); coding-DNA position 1944, A replaced by G.
Protein change: p.Glu648=; no amino-acid change (glutamic acid 648 retained).
Molecular consequence: synonymous variant.
Genome position (GRCh38, 1-based): chr17:31,225,193, A>G. VCF-style: chr17-31225193-A-G. GRCh37 (hg19) VCF-style: chr17-29552211-A-G.
Other names: c.1944A>G, p.Glu648= (NM_000267.4).
Identifiers: ClinVar variation 484118 (VCV000484118.16), dbSNP rs1465016257, ClinGen allele CA499231681.
Genomic context (GRCh38, chr17:31,225,193, plus strand): 5'-CGGGGTAGGATGTGATATTCCTTCTAGTGGAAATACCAGTCAAATGTCCATGGATCATGA[A>G]GAATTACTACGTACTCCTGGAGCCTCTCTCCGGAAGGGAAAAGGGAACTCCTCTATGGTC-3'
Protein context (NP_001035957.1, residues 638-658): GNTSQMSMDH[Glu648=]ELLRTPGASL